The following is an entry in ClinVar:

ClinVar aggregate classification (germline): Uncertain significance (1 of 4 stars; one submission).

gnomAD v4.1: 8 of 1,614,108 alleles (0.0005%); highest among the groups gnomAD compares: Middle Eastern, 0.017%; no homozygotes.

Submission:

Women's Health and Genetics/Laboratory Corporation of America, LabCorp
Classification: Uncertain significance. Last evaluated: 2025-03-18. Review status: criteria provided, single submitter. Criteria: LabCorp Variant Classification Summary - May 2015. Collection method: clinical testing. Allele origin: germline.
Comment: Variant summary: TG c.487A>G (p.Ser163Gly) results in a non-conservative amino acid change in the encoded protein sequence. Three of five in-silico tools predict a damaging effect of the variant on protein function. The variant allele was found at a frequency of 2e-05 in 251386 control chromosomes. The available data on variant occurrences in the general population are insufficient to allow any conclusion about variant significance. To our knowledge, no occurrence of c.487A>G in individuals affected with TG-Related Disorders and no experimental evidence demonstrating its impact on protein function have been reported. No submitters have cited clinical-significance assessments for this variant to ClinVar. Based on the evidence outlined above, the variant was classified as uncertain significance.

NM_003235.5(TG):c.487A>G (p.Ser163Gly)

Gene: TG (thyroglobulin; plus strand). Cytogenetic location: 8q24.22.
Variant type: single nucleotide variant.
Coding change: c.487A>G on transcript NM_003235.5 (MANE Select); coding-DNA position 487, A replaced by G.
Protein change: p.Ser163Gly; replaces serine 163 with glycine.
Molecular consequence: missense variant.
Genome position (GRCh38, 1-based): chr8:132,873,070, A>G. VCF-style: chr8-132873070-A-G. GRCh37 (hg19) VCF-style: chr8-133885315-A-G.
Other names: short protein forms S163G.
Identifiers: ClinVar variation 3895576 (VCV003895576.1).